The following is an entry in ClinVar:

ClinVar aggregate classification (germline): Uncertain significance (1 of 4 stars; one submission).

Submission:

Labcorp Genetics (formerly Invitae), Labcorp
Classification: Uncertain significance. Last evaluated: 2022-03-10. Review status: criteria provided, single submitter. Criteria: Invitae Variant Classification Sherloc (09022015). Collection method: clinical testing. Allele origin: germline.
Comment: Algorithms developed to predict the effect of missense changes on protein structure and function (SIFT, PolyPhen-2, Align-GVGD) all suggest that this variant is likely to be disruptive. This sequence change replaces arginine, which is basic and polar, with glycine, which is neutral and non-polar, at codon 142 of the CNGB3 protein (p.Arg142Gly). This variant is not present in population databases (gnomAD no frequency). This variant has not been reported in the literature in individuals affected with CNGB3-related conditions. ClinVar contains an entry for this variant (Variation ID: 1044019). In summary, the available evidence is currently insufficient to determine the role of this variant in disease. Therefore, it has been classified as a Variant of Uncertain Significance.

NM_019098.5(CNGB3):c.424A>G (p.Arg142Gly)

Gene: CNGB3 (cyclic nucleotide gated channel subunit beta 3; minus strand). Cytogenetic location: 8q21.3.
Variant type: single nucleotide variant.
Coding change: c.424A>G on transcript NM_019098.5 (MANE Select); coding-DNA position 424, A replaced by G.
Protein change: p.Arg142Gly; replaces arginine 142 with glycine.
Molecular consequence: missense variant.
Genome position (GRCh38, 1-based): chr8:86,671,013, T>C on the plus strand (A>G on the coding strand, the complement: CNGB3 is on the minus strand). VCF-style: chr8-86671013-T-C. GRCh37 (hg19) VCF-style: chr8-87683241-T-C.
Other names: short protein forms R142G.
Identifiers: ClinVar variation 1044019 (VCV001044019.10), dbSNP rs1823850186, ClinGen allele CA371450173.